The following is an entry in ClinVar:

NM_005051.3(QARS1):c.149A>G (p.Lys50Arg)

Gene: QARS1 (glutaminyl-tRNA synthetase 1; minus strand). Cytogenetic location: 3p21.31.
Variant type: single nucleotide variant.
Coding change: c.149A>G on transcript NM_005051.3 (MANE Select); coding-DNA position 149, A replaced by G.
Protein change: p.Lys50Arg; replaces lysine 50 with arginine.
Molecular consequence: missense variant. On other transcripts: non-coding transcript variant (1).
Genome position (GRCh38, 1-based): chr3:49,104,440, T>C on the plus strand (A>G on the coding strand, the complement: QARS1 is on the minus strand). VCF-style: chr3-49104440-T-C. GRCh37 (hg19) VCF-style: chr3-49141873-T-C.
Other names: c.149A>G, p.Lys50Arg (NM_001272073.2); short protein forms K50R.
Identifiers: ClinVar variation 1309121 (VCV001309121.4), dbSNP rs1559970922, ClinGen allele CA352723083.

ClinVar aggregate classification (germline): Uncertain significance. Review status: criteria provided, multiple submitters, no conflicts (2 of 4 stars). 2 submissions from 2 submitters: Uncertain significance (2). Last evaluated 2024-04-10.

Conditions:
Diffuse cerebral and cerebellar atrophy - intractable seizures - progressive microcephaly syndrome. Also called: Microcephaly, progressive, with seizures and cerebral and cerebellar atrophy. Identifiers: Orphanet 404437, MedGen C4014239, MONDO:0014335, OMIM 615760.

Allele frequency attached by ClinVar (database versions not stated): gnomAD exomes below 0.00001.
gnomAD v4.1: 1 of 1,614,038 alleles (0.000062%); highest among the groups gnomAD compares: Non-Finnish European, 0.000085%; no homozygotes.

Submissions (2):

Labcorp Genetics (formerly Invitae), Labcorp
Classification: Uncertain significance for Diffuse cerebral and cerebellar atrophy - intractable seizures - progressive microcephaly syndrome. Last evaluated: 2024-04-10. Review status: criteria provided, single submitter. Criteria: Invitae Variant Classification Sherloc (09022015). Collection method: clinical testing. Allele origin: germline.
Comment: This sequence change replaces lysine, which is basic and polar, with arginine, which is basic and polar, at codon 50 of the QARS protein (p.Lys50Arg). This variant is not present in population databases (gnomAD no frequency). This variant has not been reported in the literature in individuals affected with QARS-related conditions. ClinVar contains an entry for this variant (Variation ID: 1309121). Algorithms developed to predict the effect of missense changes on protein structure and function output the following: SIFT: "Not Available"; PolyPhen-2: "Probably Damaging"; Align-GVGD: "Not Available". The arginine amino acid residue is found in multiple mammalian species, which suggests that this missense change does not adversely affect protein function. In summary, the available evidence is currently insufficient to determine the role of this variant in disease. Therefore, it has been classified as a Variant of Uncertain Significance.

GeneDx
Classification: Uncertain significance. Last evaluated: 2019-10-14. Review status: criteria provided, single submitter. Criteria: GeneDx Variant Classification Process June 2021. Collection method: clinical testing. Allele origin: germline. Affected: yes.
Comment: Not observed in large population cohorts (Lek et al., 2016); In silico analysis, which includes protein predictors and evolutionary conservation, supports that this variant does not alter protein structure/function; Has not been previously published as pathogenic or benign to our knowledge